The following is an entry in ClinVar:

ClinVar aggregate classification (germline): Uncertain significance (1 of 4 stars; one submission).

gnomAD v4.1: 13 of 1,614,184 alleles (0.00081%); highest among the groups gnomAD compares: Non-Finnish European, 0.0011%; no homozygotes.

Submission:

Ambry Genetics
Classification: Uncertain significance. Last evaluated: 2024-12-17. Review status: criteria provided, single submitter. Criteria: Ambry Variant Classification Scheme 2023. Collection method: clinical testing. Allele origin: germline.
Comment: The p.F1676S variant (also known as c.5027T>C), located in coding exon 44 of the KIF1B gene, results from a T to C substitution at nucleotide position 5027. The phenylalanine at codon 1676 is replaced by serine, an amino acid with highly dissimilar properties. This amino acid position is conserved. In addition, the in silico prediction for this alteration is inconclusive. Based on the available evidence, the clinical significance of this variant remains unclear.

NM_001365951.3(KIF1B):c.5165T>C (p.Phe1722Ser)

Gene: KIF1B (kinesin family member 1B; plus strand). Cytogenetic location: 1p36.22.
Variant type: single nucleotide variant.
Coding change: c.5165T>C on transcript NM_001365951.3 (MANE Select); coding-DNA position 5165, T replaced by C.
Protein change: p.Phe1722Ser; replaces phenylalanine 1722 with serine.
Molecular consequence: missense variant.
Genome position (GRCh38, 1-based): chr1:10,374,922, T>C. VCF-style: chr1-10374922-T-C. GRCh37 (hg19) VCF-style: chr1-10434980-T-C.
Other names: c.5165T>C, p.Phe1722Ser (NM_001365952.1); c.5027T>C, p.Phe1676Ser (NM_015074.3); short protein forms F1722S, F1676S.
Identifiers: ClinVar variation 3864025 (VCV003864025.1).
Genomic context (GRCh38, chr1:10,374,922, plus strand): 5'-TCTCTAAGAAAGGATACCTTCATTTCAAGGAGCCTCTTTACAGTAACTGGGCTAAACATT[T>C]TGTTGTCGTCCGTCGGCCTTATGTCTTCATCTATAACAGTGACAAAGACCCTGTGGAGCG-3'
Protein context (NP_001352880.1, residues 1712-1732): EPLYSNWAKH[Phe1722Ser]VVVRRPYVFI